The following is an entry in ClinVar:

ClinVar aggregate classification (germline): Likely benign (1 of 4 stars; one submission).

Allele frequency attached by ClinVar (database versions not stated): 1000 Genomes Project 30x 0.00016; 1000 Genomes Project 0.00020.
gnomAD v4.1: 94 of 1,536,260 alleles (0.0061%); highest among the groups gnomAD compares: East Asian, 0.15%; no homozygotes.

Submission:

CeGaT Center for Human Genetics Tuebingen
Classification: Likely benign. Last evaluated: 2023-12-01. Review status: criteria provided, single submitter. Criteria: CeGaT Center For Human Genetics Tuebingen Variant Classification Criteria Version 2. Collection method: clinical testing. Allele origin: germline. Affected: yes. Observed: 1 variant allele.
Comment: CCDC40: BP4, BP7

NM_017950.4(CCDC40):c.1562+2025G>A

Gene: CCDC40 (coiled-coil domain 40 molecular ruler complex subunit; plus strand). Cytogenetic location: 17q25.3.
Variant type: single nucleotide variant.
Coding change: c.1562+2025G>A on transcript NM_017950.4 (MANE Select); 2025 bases into the intron after coding-DNA position 1562, G replaced by A.
Molecular consequence: intron variant. On other transcripts: synonymous variant (1).
Genome position (GRCh38, 1-based): chr17:80,067,631, G>A. VCF-style: chr17-80067631-G-A. GRCh37 (hg19) VCF-style: chr17-78041430-G-A.
Other names: c.1689G>A, p.Ala563= (NM_001330508.2); c.1562+2025G>A (NM_001243342.2).
Identifiers: ClinVar variation 3025918 (VCV003025918.22), dbSNP rs547942941, ClinGen allele CA294851136.
Genomic context (GRCh38, chr17:80,067,631, plus strand): 5'-GCATTCCGCTGGGATACTTCTACGGGGAAGCTTCCTGCCCGGGGCATCGAGGGCGTTCGC[G>A]TCCGTCTGTTATGGCGGTGCTGCTGTAGATAACCGGATCCGCGAATGCTAACGCTCACCA-3'